The following is an entry in ClinVar:

ClinVar aggregate classification (germline): Uncertain significance (1 of 4 stars; one submission).

Conditions:
Achondrogenesis, type IA (ACG1A). Identifiers: Orphanet 932, Orphanet 93299, MedGen C0265273, MONDO:0008701, OMIM 200600.

Allele frequency attached by ClinVar (database versions not stated): gnomAD exomes below 0.00001; gnomAD 0.00001; TOPMed 0.00001.
gnomAD v4.1: 5 of 1,614,174 alleles (0.00031%); highest among the groups gnomAD compares: Admixed American, 0.0033%; no homozygotes.

Submission:

Labcorp Genetics (formerly Invitae), Labcorp
Classification: Uncertain significance for Achondrogenesis, type IA. Last evaluated: 2023-10-13. Review status: criteria provided, single submitter. Criteria: Invitae Variant Classification Sherloc (09022015). Collection method: clinical testing. Allele origin: germline.
Comment: This sequence change replaces asparagine, which is neutral and polar, with serine, which is neutral and polar, at codon 1427 of the TRIP11 protein (p.Asn1427Ser). This variant is present in population databases (no rsID available, gnomAD 0.006%). This variant has not been reported in the literature in individuals affected with TRIP11-related conditions. Advanced modeling of protein sequence and biophysical properties (such as structural, functional, and spatial information, amino acid conservation, physicochemical variation, residue mobility, and thermodynamic stability) performed at Invitae indicates that this missense variant is not expected to disrupt TRIP11 protein function. In summary, the available evidence is currently insufficient to determine the role of this variant in disease. Therefore, it has been classified as a Variant of Uncertain Significance.

NM_004239.4(TRIP11):c.4280A>G (p.Asn1427Ser)

Gene: TRIP11 (thyroid hormone receptor interactor 11; minus strand). Cytogenetic location: 14q32.12.
Variant type: single nucleotide variant.
Coding change: c.4280A>G on transcript NM_004239.4 (MANE Select); coding-DNA position 4280, A replaced by G.
Protein change: p.Asn1427Ser; replaces asparagine 1427 with serine.
Molecular consequence: missense variant.
Genome position (GRCh38, 1-based): chr14:92,003,696, T>C on the plus strand (A>G on the coding strand, the complement: TRIP11 is on the minus strand). VCF-style: chr14-92003696-T-C. GRCh37 (hg19) VCF-style: chr14-92470040-T-C.
Other names: c.4277A>G, p.Asn1426Ser (NM_001321851.1); short protein forms N1426S, N1427S.
Identifiers: ClinVar variation 3012935 (VCV003012935.1), dbSNP rs1191783435, ClinGen allele CA390650031.